The following is an entry in ClinVar:

NM_006059.4(LAMC3):c.3106G>A (p.Gly1036Arg)

Gene: LAMC3 (laminin subunit gamma 3; plus strand). Cytogenetic location: 9q34.12.
Variant type: single nucleotide variant.
Coding change: c.3106G>A on transcript NM_006059.4 (MANE Select); coding-DNA position 3106, G replaced by A.
Protein change: p.Gly1036Arg; replaces glycine 1036 with arginine.
Molecular consequence: missense variant.
Genome position (GRCh38, 1-based): chr9:131,071,520, G>A. VCF-style: chr9-131071520-G-A. GRCh37 (hg19) VCF-style: chr9-133946907-G-A.
Other names: c.3106G>A (NM_006059.3); short protein forms G1036R.
Identifiers: ClinVar variation 1483696 (VCV001483696.4), dbSNP rs375429576, ClinGen allele CA200667654.
Genomic context (GRCh38, chr9:131,071,520, plus strand): 5'-ACCTTTTCTTCCTGTCCTCTCCAGGCAGCCAAGCTGAAGGCCAGACTGACTTTGACGGAG[G>A]GGTGGCTCCAAGGGTCCGACTGTGGCAGTCCCTGGGGACCACTAGACATTCTGCTGGGAG-3'
Protein context (NP_006050.3, residues 1026-1046): KLKARLTLTE[Gly1036Arg]WLQGSDCGSP

ClinVar aggregate classification (germline): Uncertain significance. Review status: criteria provided, multiple submitters, no conflicts (2 of 4 stars). 2 submissions from 2 submitters: Uncertain significance (2). Last evaluated 2023-12-16.

Conditions:
Inborn genetic diseases. Identifiers: MedGen C0950123, MeSH D030342.

gnomAD v4.1: 2 of 1,613,780 alleles (0.00012%); highest among the groups gnomAD compares: African/African-American, 0.0027%; no homozygotes.

Submissions (2):

Ambry Genetics
Classification: Uncertain significance for Inborn genetic diseases. Last evaluated: 2023-12-16. Review status: criteria provided, single submitter. Criteria: Ambry Variant Classification Scheme 2023. Collection method: clinical testing. Allele origin: germline.

Labcorp Genetics (formerly Invitae), Labcorp
Classification: Uncertain significance. Last evaluated: 2022-07-05. Review status: criteria provided, single submitter. Criteria: Invitae Variant Classification Sherloc (09022015). Collection method: clinical testing. Allele origin: germline.
Comment: This sequence change replaces glycine, which is neutral and non-polar, with arginine, which is basic and polar, at codon 1036 of the LAMC3 protein (p.Gly1036Arg). This variant is not present in population databases (gnomAD no frequency). This variant has not been reported in the literature in individuals affected with LAMC3-related conditions. ClinVar contains an entry for this variant (Variation ID: 1483696). Algorithms developed to predict the effect of missense changes on protein structure and function output the following: SIFT: "Tolerated"; PolyPhen-2: "Benign"; Align-GVGD: "Class C0". The arginine amino acid residue is found in multiple mammalian species, which suggests that this missense change does not adversely affect protein function. In summary, the available evidence is currently insufficient to determine the role of this variant in disease. Therefore, it has been classified as a Variant of Uncertain Significance.